The following is an entry in ClinVar:

ClinVar aggregate classification (germline): Conflicting classifications of pathogenicity. Review status: criteria provided, conflicting classifications (1 of 4 stars). 2 submissions from 2 submitters: Uncertain significance (1); Likely benign (1). Last evaluated 2026-01-28.

Conditions:
Inborn genetic diseases. Identifiers: MedGen C0950123, MeSH D030342.

Allele frequency attached by ClinVar (database versions not stated): 1000 Genomes Project 0.00020; TOPMed 0.00051; gnomAD exomes 0.00003; ExAC 0.00010; 1000 Genomes Project 30x 0.00016; ESP Exome Variant Server 0.00031; gnomAD 0.00043.
gnomAD v4.1: 118 of 1,613,012 alleles (0.0073%); highest among the groups gnomAD compares: African/African-American, 0.13%; no homozygotes.

Submissions (2):

Labcorp Genetics (formerly Invitae), Labcorp
Classification: Likely benign. Last evaluated: 2026-01-28. Review status: criteria provided, single submitter. Criteria: Invitae Variant Classification Sherloc (09022015). Collection method: clinical testing. Allele origin: germline.

Ambry Genetics
Classification: Uncertain significance for Inborn genetic diseases. Last evaluated: 2021-09-01. Review status: criteria provided, single submitter. Criteria: Ambry Variant Classification Scheme 2023. Collection method: clinical testing. Allele origin: germline.
Comment: The c.1243-4C>G intronic alteration consists of a C to G substitution 4 nucleotides before exon 11 of the SLC5A5 gene. Based on insufficient or conflicting evidence, the clinical significance of this alteration remains unclear.

NM_000453.3(SLC5A5):c.1243-4C>G

Gene: SLC5A5 (solute carrier family 5 member 5; plus strand). Cytogenetic location: 19p13.11.
Variant type: single nucleotide variant.
Coding change: c.1243-4C>G on transcript NM_000453.3 (MANE Select); 4 bases into the intron before coding-DNA position 1243, C replaced by G.
Molecular consequence: intron variant.
Genome position (GRCh38, 1-based): chr19:17,883,677, C>G. VCF-style: chr19-17883677-C-G. GRCh37 (hg19) VCF-style: chr19-17994486-C-G.
Identifiers: ClinVar variation 2221498 (VCV002221498.5), dbSNP rs374842275, ClinGen allele CA9303093.